The following is an entry in ClinVar:

NM_016004.5(IFT52):c.413+5del

Gene: IFT52 (intraflagellar transport 52; plus strand). Cytogenetic location: 20q13.12.
Variant type: Deletion.
Coding change: c.413+5del on transcript NM_016004.5 (MANE Select); 5 bases into the intron after coding-DNA position 413, one base deleted (G; older notation c.413+5delG).
Molecular consequence: intron variant.
Genome position (GRCh38, 1-based): chr20:43,604,263, G deleted. VCF-style (leftmost placement, unchanged base first): chr20-43604262-AG-A. GRCh37 (hg19) VCF-style: chr20-42232902-AG-A.
Other names: c.-259+5del (NM_001323578.2, NM_001323580.2); c.-352+5del (NM_001323579.2, NM_001323581.2); c.413+5del (NM_001303458.3, NM_001303459.3).
Identifiers: ClinVar variation 1346154 (VCV001346154.6), dbSNP rs2145599703, ClinGen allele CA2573157088.

ClinVar aggregate classification (germline): Uncertain significance (1 of 4 stars; one submission).

Submission:

Labcorp Genetics (formerly Invitae), Labcorp
Classification: Uncertain significance. Last evaluated: 2021-08-23. Review status: criteria provided, single submitter. Criteria: Invitae Variant Classification Sherloc (09022015). Collection method: clinical testing. Allele origin: germline.
Comment: This sequence change falls in intron 5 of the IFT52 gene. It does not directly change the encoded amino acid sequence of the IFT52 protein. It affects a nucleotide within the consensus splice site of the intron. This variant is not present in population databases (ExAC no frequency). This variant has not been reported in the literature in individuals affected with IFT52-related conditions. Variants that disrupt the consensus splice site are a relatively common cause of aberrant splicing (PMID: 17576681, 9536098). Experimental studies and prediction algorithms are not available or were not evaluated, and the effect of this variant on mRNA splicing is currently unknown. In summary, the available evidence is currently insufficient to determine the role of this variant in disease. Therefore, it has been classified as a Variant of Uncertain Significance.

Literature cited by the submitters: PubMed 17576681; PubMed 9536098.